The following is an entry in ClinVar:

ClinVar aggregate classification (germline): Pathogenic. Review status: criteria provided, multiple submitters, no conflicts (2 of 4 stars). 2 submissions from 2 submitters: Pathogenic (2). Last evaluated 2026-06-23.

Conditions:
Autosomal recessive limb-girdle muscular dystrophy type 2O. Also called: Limb-Girdle Muscular Dystrophy Type 3C; MUSCULAR DYSTROPHY-DYSTROGLYCANOPATHY (LIMB-GIRDLE), TYPE C, 3; MUSCULAR DYSTROPHY-DYSTROGLYCANOPATHY, LIMB-GIRDLE, POMGNT1-RELATED. Identifiers: Orphanet 206564, MedGen C3150417, MONDO:0013161, OMIM 613157.
Muscular dystrophy-dystroglycanopathy (congenital with impaired intellectual development), type B, 3. Also called: Muscular dystrophy-dystroglycanopathy (congenital with intellectual disability), type B3; MUSCULAR DYSTROPHY, CONGENITAL, POMGNT1-RELATED. Identifiers: MedGen C3150412, MONDO:0013155, OMIM 613151.
Myopathy caused by variation in POMGNT1. Identifiers: MedGen CN305639, MONDO:0700068.

Submissions (2):

Myriad Genetics, Inc.
Classification: Pathogenic for Myopathy caused by variation in POMGNT1. Last evaluated: 2026-06-23. Review status: criteria provided, single submitter. Criteria: Myriad Autosomal Dominant, Autosomal Recessive and X-Linked Classification Criteria (2023). Collection method: clinical testing. Allele origin: unknown.
Comment: NM_017739.3(POMGNT1):c.1043dupT(A349Gfs*69) is expected to be pathogenic in the context of POMGNT1-related disorders. This variant is predicted to lead to an abnormal or absent protein product due to the creation of a premature termination codon in POMGNT1, a gene where loss-of-function variants are known to be pathogenic. Please note: this variant was assessed in the context of healthy population screening.

Labcorp Genetics (formerly Invitae), Labcorp
Classification: Pathogenic for Autosomal recessive limb-girdle muscular dystrophy type 2O; Muscular dystrophy-dystroglycanopathy (congenital with impaired intellectual development), type B, 3. Last evaluated: 2021-05-21. Review status: criteria provided, single submitter. Criteria: Invitae Variant Classification Sherloc (09022015). Collection method: clinical testing. Allele origin: germline.
Comment: This sequence change creates a premature translational stop signal (p.Ala349Glyfs*69) in the POMGNT1 gene. It is expected to result in an absent or disrupted protein product. Loss-of-function variants in POMGNT1 are known to be pathogenic (PMID: 19299310, 20816175, 21447391, 26908613, 27391550). This variant is not present in population databases (ExAC no frequency). This variant has not been reported in the literature in individuals with POMGNT1-related conditions. For these reasons, this variant has been classified as Pathogenic.

Literature cited by the submitters: PubMed 19299310 (cited by Labcorp Genetics (formerly Invitae), Labcorp); PubMed 20816175 (cited by Labcorp Genetics (formerly Invitae), Labcorp); PubMed 21447391 (cited by Labcorp Genetics (formerly Invitae), Labcorp); PubMed 26908613 (cited by Labcorp Genetics (formerly Invitae), Labcorp); PubMed 27391550 (cited by Labcorp Genetics (formerly Invitae), Labcorp).

NM_017739.4(POMGNT1):c.1043dup (p.Ala349fs)

Genes: POMGNT1 (protein O-linked mannose N-acetylglucosaminyltransferase 1 (beta 1,2-); minus strand), TSPAN1 (tetraspanin 1; plus strand). Cytogenetic location: 1p34.1.
Variant type: Duplication.
Coding change: c.1043dup on transcript NM_017739.4 (MANE Select); coding-DNA position 1043, one base duplicated (T; older notation c.1043dupT).
Protein change: p.Ala349fs; shifts the reading frame from alanine 349.
Molecular consequence: frameshift variant.
Genome position (GRCh38, 1-based): chr1:46,193,372, A duplicated on the plus strand (T on the coding strand, the reverse complement: POMGNT1 is on the minus strand). VCF-style (leftmost placement, unchanged base first): chr1-46193371-C-CA. GRCh37 (hg19) VCF-style: chr1-46659043-C-CA.
Other names: c.1043dup, p.Ala349fs (NM_001243766.2, NM_001410783.1); c.977dup, p.Ala327Glyfs (NM_001290129.3); c.614dup, p.Ala206fs (NM_001290130.2); short protein forms A206fs, A349fs, A327fs.
Identifiers: ClinVar variation 1458674 (VCV001458674.7), dbSNP rs2148192725, ClinGen allele CA2573131965.
Genomic context (GRCh38, chr1:46,193,371, plus strand): 5'-CACGCGGGCATTCTTGATGCTGATGGGAGTATGCTGGATGCCCCTCAGACCAAACAGTGC[C>CA]ACCACATCCATGGGTTCCTGGGGGACATGGCCACTGCTCACCATGTGAGGTCACTTTCCC-3'